The following is an entry in ClinVar:

NM_000426.4(LAMA2):c.8089G>T (p.Ala2697Ser)

Gene: LAMA2 (laminin subunit alpha 2; plus strand). Cytogenetic location: 6q22.33.
Variant type: single nucleotide variant.
Coding change: c.8089G>T on transcript NM_000426.4 (MANE Select); coding-DNA position 8089, G replaced by T.
Protein change: p.Ala2697Ser; replaces alanine 2697 with serine.
Molecular consequence: missense variant.
Genome position (GRCh38, 1-based): chr6:129,492,328, G>T. VCF-style: chr6-129492328-G-T. GRCh37 (hg19) VCF-style: chr6-129813473-G-T.
Other names: c.8077G>T, p.Ala2693Ser (NM_001079823.2); short protein forms A2693S, A2697S.
Identifiers: ClinVar variation 1351760 (VCV001351760.3), dbSNP rs866475712, ClinGen allele CA146918215.

ClinVar aggregate classification (germline): Uncertain significance (1 of 4 stars; one submission).

Conditions:
LAMA2-related muscular dystrophy (LAMA2-RD). Also called: Laminin alpha 2-related dystrophy. Identifiers: MedGen C5679788, MONDO:0100228.

Allele frequency attached by ClinVar (database versions not stated): gnomAD exomes below 0.00001; gnomAD 0.00001; TOPMed 0.00001.
gnomAD v4.1: 6 of 1,613,930 alleles (0.00037%); highest among the groups gnomAD compares: African/African-American, 0.0027%; no homozygotes.

Submission:

Labcorp Genetics (formerly Invitae), Labcorp
Classification: Uncertain significance for LAMA2-related muscular dystrophy. Last evaluated: 2021-08-18. Review status: criteria provided, single submitter. Criteria: Invitae Variant Classification Sherloc (09022015). Collection method: clinical testing. Allele origin: germline.
Comment: This sequence change replaces alanine with serine at codon 2697 of the LAMA2 protein (p.Ala2697Ser). The alanine residue is moderately conserved and there is a moderate physicochemical difference between alanine and serine. This variant is not present in population databases (ExAC no frequency). This variant has not been reported in the literature in individuals affected with LAMA2-related conditions. Advanced modeling of protein sequence and biophysical properties (such as structural, functional, and spatial information, amino acid conservation, physicochemical variation, residue mobility, and thermodynamic stability) performed at Invitae indicates that this missense variant is not expected to disrupt LAMA2 protein function. In summary, the available evidence is currently insufficient to determine the role of this variant in disease. Therefore, it has been classified as a Variant of Uncertain Significance.